The following is an entry in ClinVar:

ClinVar aggregate classification (germline): Uncertain significance. Review status: criteria provided, single submitter (1 of 4 stars). 2 submissions from 2 submitters: Uncertain significance (1). 1 of the submissions does not count toward it. Last evaluated 2022-08-07.

Conditions:
Alstrom syndrome (ALMS). Identifiers: Orphanet 64, MedGen C0268425, MONDO:0008763, OMIM 203800.

Allele frequency attached by ClinVar (database versions not stated): gnomAD exomes below 0.00001.
gnomAD v4.1: 2 of 1,613,804 alleles (0.00012%); highest among the groups gnomAD compares: South Asian, 0.0022%; no homozygotes.

Submissions (2):

Labcorp Genetics (formerly Invitae), Labcorp
Classification: Uncertain significance for Alstrom syndrome. Last evaluated: 2022-08-07. Review status: criteria provided, single submitter. Criteria: Invitae Variant Classification Sherloc (09022015). Collection method: clinical testing. Allele origin: germline.
Comment: Experimental studies and prediction algorithms are not available or were not evaluated, and the functional significance of this variant is currently unknown. In summary, the available evidence is currently insufficient to determine the role of this variant in disease. Therefore, it has been classified as a Variant of Uncertain Significance. This variant has not been reported in the literature in individuals affected with ALMS1-related conditions. This variant is present in population databases (no rsID available, gnomAD 0.003%). This sequence change replaces lysine, which is basic and polar, with arginine, which is basic and polar, at codon 3454 of the ALMS1 protein (p.Lys3454Arg).

Natera, Inc.
Classification: Uncertain significance for Alstrom syndrome. Last evaluated: 2025-03-24. Review status: no assertion criteria provided. Collection method: clinical testing. Allele origin: germline. Not counted in ClinVar's aggregate classification.

NM_001378454.1(ALMS1):c.10358A>G (p.Lys3453Arg)

Gene: ALMS1 (ALMS1 centrosome and basal body associated protein; plus strand). Cytogenetic location: 2p13.1.
Variant type: single nucleotide variant.
Coding change: c.10358A>G on transcript NM_001378454.1 (MANE Select); coding-DNA position 10358, A replaced by G.
Protein change: p.Lys3453Arg; replaces lysine 3453 with arginine.
Molecular consequence: missense variant.
Genome position (GRCh38, 1-based): chr2:73,559,116, A>G. VCF-style: chr2-73559116-A-G. GRCh37 (hg19) VCF-style: chr2-73786243-A-G.
Other names: c.10361A>G, p.Lys3454Arg (NM_015120.4); short protein forms K3453R, K3454R.
Identifiers: ClinVar variation 1715444 (VCV001715444.6), dbSNP rs1181838405, ClinGen allele CA347278306.